The following is an entry in ClinVar:

ClinVar aggregate classification (germline): Likely benign. Review status: criteria provided, multiple submitters, no conflicts (2 of 4 stars). 2 submissions from 2 submitters: Likely benign (2). Last evaluated 2025-03-21.

Allele frequency attached by ClinVar (database versions not stated): ExAC 0.00005; gnomAD 0.00007 and 0.00009; gnomAD exomes 0.00007 and 0.00009; TOPMed 0.00007; ESP Exome Variant Server 0.00008.
gnomAD v4.1: 145 of 1,613,868 alleles (0.009%); highest among the groups gnomAD compares: Admixed American, 0.025%; no homozygotes.

Submissions (2):

Labcorp Genetics (formerly Invitae), Labcorp
Classification: Likely benign. Last evaluated: 2025-03-21. Review status: criteria provided, single submitter. Criteria: Invitae Variant Classification Sherloc (09022015). Collection method: clinical testing. Allele origin: germline.

CeGaT Center for Human Genetics Tuebingen
Classification: Likely benign. Last evaluated: 2024-08-01. Review status: criteria provided, single submitter. Criteria: CeGaT Center For Human Genetics Tuebingen Variant Classification Criteria Version 2. Collection method: clinical testing. Allele origin: germline. Affected: yes. Observed: 2 variant alleles.
Comment: PRKN: BP4, BP7

NM_004562.3(PRKN):c.477G>A (p.Pro159=)

Genes: PRKN (parkin RBR E3 ubiquitin protein ligase; minus strand), LOC126859871 (MED14-independent group 3 enhancer GRCh37_chr6:162621359-162622558; plus strand). Cytogenetic location: 6q26.
Variant type: single nucleotide variant.
Coding change: c.477G>A on transcript NM_004562.3 (MANE Select); coding-DNA position 477, G replaced by A.
Protein change: p.Pro159=; no amino-acid change (proline 159 retained).
Molecular consequence: synonymous variant. On other transcripts: intron variant (1).
Genome position (GRCh38, 1-based): chr6:162,201,188, C>T on the plus strand (G>A on the coding strand, the complement: PRKN is on the minus strand). VCF-style: chr6-162201188-C-T. GRCh37 (hg19) VCF-style: chr6-162622220-C-T.
Other names: c.477G>A, p.Pro159= (NM_013987.3); c.172-227771G>A (NM_013988.3).
Identifiers: ClinVar variation 1013530 (VCV001013530.44), dbSNP rs146547001, ClinGen allele CA4090351.